The following is an entry in ClinVar:

NM_002029.4(FPR1):c.257C>T (p.Ala86Val)

Gene: FPR1 (formyl peptide receptor 1; minus strand). Cytogenetic location: 19q13.41.
Variant type: single nucleotide variant.
Coding change: c.257C>T on transcript NM_002029.4 (MANE Select); coding-DNA position 257, C replaced by T.
Protein change: p.Ala86Val; replaces alanine 86 with valine.
Molecular consequence: missense variant.
Genome position (GRCh38, 1-based): chr19:51,746,738, G>A on the plus strand (C>T on the coding strand, the complement: FPR1 is on the minus strand). VCF-style: chr19-51746738-G-A. GRCh37 (hg19) VCF-style: chr19-52249991-G-A.
Other names: c.257C>T, p.Ala86Val (NM_001193306.2); short protein forms A86V.
Identifiers: ClinVar variation 1515599 (VCV001515599.8), dbSNP rs1197945289, ClinGen allele CA407119839.

ClinVar aggregate classification (germline): Uncertain significance (1 of 4 stars; one submission).

Conditions:
Gingival disorder. Also called: Gingival disease. Identifiers: MedGen C0017563, MONDO:0002021.

Allele frequency attached by ClinVar (database versions not stated): gnomAD exomes below 0.00001; gnomAD 0.00001; TOPMed 0.00001.

Submission:

Labcorp Genetics (formerly Invitae), Labcorp
Classification: Uncertain significance for Gingival disorder. Last evaluated: 2021-06-19. Review status: criteria provided, single submitter. Criteria: Invitae Variant Classification Sherloc (09022015). Collection method: clinical testing. Allele origin: germline.
Comment: Algorithms developed to predict the effect of missense changes on protein structure and function output the following: SIFT: "Tolerated"; PolyPhen-2: "Benign"; Align-GVGD: "Class C0". The valine amino acid residue is found in multiple mammalian species, suggesting that this missense change does not adversely affect protein function. These predictions have not been confirmed by published functional studies and their clinical significance is uncertain. In summary, the available evidence is currently insufficient to determine the role of this variant in disease. Therefore, it has been classified as a Variant of Uncertain Significance. Algorithms developed to predict the effect of sequence changes on RNA splicing suggest that this variant may create or strengthen a splice site, but this prediction has not been confirmed by published transcriptional studies. This variant has not been reported in the literature in individuals with FPR1-related conditions. This variant is not present in population databases (ExAC no frequency). This sequence change replaces alanine with valine at codon 86 of the FPR1 protein (p.Ala86Val). The alanine residue is weakly conserved and there is a small physicochemical difference between alanine and valine.